The following is an entry in ClinVar:

NM_017763.6(RNF43):c.656G>T (p.Arg219Leu)

Gene: RNF43 (ring finger protein 43; minus strand). Cytogenetic location: 17q22.
Variant type: single nucleotide variant.
Coding change: c.656G>T on transcript NM_017763.6 (MANE Select); coding-DNA position 656, G replaced by T.
Protein change: p.Arg219Leu; replaces arginine 219 with leucine.
Molecular consequence: missense variant.
Genome position (GRCh38, 1-based): chr17:58,362,575, C>A on the plus strand (G>T on the coding strand, the complement: RNF43 is on the minus strand). VCF-style: chr17-58362575-C-A. GRCh37 (hg19) VCF-style: chr17-56439936-C-A.
Other names: c.656G>T, p.Arg219Leu (NM_001305544.3); c.275G>T, p.Arg92Leu (NM_001305545.2); short protein forms R92L, R219L.
Identifiers: ClinVar variation 2891229 (VCV002891229.3), dbSNP rs377765604, ClinGen allele CA292014871.

ClinVar aggregate classification (germline): Uncertain significance (1 of 4 stars; one submission).

Allele frequency attached by ClinVar (database versions not stated): ESP Exome Variant Server 0.00008.
gnomAD v4.1: 4 of 1,610,248 alleles (0.00025%); highest among the groups gnomAD compares: African/African-American, 0.0053%; no homozygotes.

Submission:

Labcorp Genetics (formerly Invitae), Labcorp
Classification: Uncertain significance. Last evaluated: 2023-11-17. Review status: criteria provided, single submitter. Criteria: Invitae Variant Classification Sherloc (09022015). Collection method: clinical testing. Allele origin: germline.
Comment: This sequence change replaces arginine, which is basic and polar, with leucine, which is neutral and non-polar, at codon 219 of the RNF43 protein (p.Arg219Leu). The frequency data for this variant in the population databases is considered unreliable, as metrics indicate poor data quality at this position in the gnomAD database. This variant has not been reported in the literature in individuals affected with RNF43-related conditions. An algorithm developed to predict the effect of missense changes on protein structure and function (PolyPhen-2) suggests that this variant is likely to be disruptive. In summary, the available evidence is currently insufficient to determine the role of this variant in disease. Therefore, it has been classified as a Variant of Uncertain Significance.